The following is an entry in ClinVar:

NM_153026.3(PRICKLE1):c.163G>A (p.Glu55Lys)

Gene: PRICKLE1 (prickle planar cell polarity protein 1; minus strand). Cytogenetic location: 12q12.
Variant type: single nucleotide variant.
Coding change: c.163G>A on transcript NM_153026.3 (MANE Select); coding-DNA position 163, G replaced by A.
Protein change: p.Glu55Lys; replaces glutamic acid 55 with lysine.
Molecular consequence: missense variant.
Genome position (GRCh38, 1-based): chr12:42,470,329, C>T on the plus strand (G>A on the coding strand, the complement: PRICKLE1 is on the minus strand). VCF-style: chr12-42470329-C-T. GRCh37 (hg19) VCF-style: chr12-42864131-C-T.
Other names: c.163G>A, p.Glu55Lys (NM_001144881.2, NM_001144882.2, NM_001144883.2); short protein forms E55K.
Identifiers: ClinVar variation 1054305 (VCV001054305.8), dbSNP rs1938269718, ClinGen allele CA384444611.

ClinVar aggregate classification (germline): Uncertain significance (1 of 4 stars; one submission).

Conditions:
Epilepsy, progressive myoclonic, 1B. Also called: PME. Identifiers: Orphanet 308, MedGen C2676254, MONDO:0012904, OMIM 612437.

Allele frequency attached by ClinVar (database versions not stated): gnomAD exomes below 0.00001; TOPMed below 0.00001; gnomAD 0.00001.
gnomAD v4.1: 3 of 1,613,768 alleles (0.00019%); highest among the groups gnomAD compares: African/African-American, 0.0013%; no homozygotes.

Submission:

Labcorp Genetics (formerly Invitae), Labcorp
Classification: Uncertain significance for Epilepsy, progressive myoclonic, 1B. Last evaluated: 2024-10-21. Review status: criteria provided, single submitter. Criteria: Invitae Variant Classification Sherloc (09022015). Collection method: clinical testing. Allele origin: germline.
Comment: This sequence change replaces glutamic acid, which is acidic and polar, with lysine, which is basic and polar, at codon 55 of the PRICKLE1 protein (p.Glu55Lys). This variant is not present in population databases (gnomAD no frequency). This variant has not been reported in the literature in individuals affected with PRICKLE1-related conditions. ClinVar contains an entry for this variant (Variation ID: 1054305). Invitae Evidence Modeling of protein sequence and biophysical properties (such as structural, functional, and spatial information, amino acid conservation, physicochemical variation, residue mobility, and thermodynamic stability) indicates that this missense variant is not expected to disrupt PRICKLE1 protein function with a negative predictive value of 80%. In summary, the available evidence is currently insufficient to determine the role of this variant in disease. Therefore, it has been classified as a Variant of Uncertain Significance.